The following is an entry in ClinVar:

ClinVar aggregate classification (germline): Likely pathogenic (1 of 4 stars; one submission).

Conditions:
Hereditary cancer-predisposing syndrome. Also called: Neoplastic Syndromes, Hereditary; Tumor predisposition; Hereditary neoplastic syndrome; Hereditary Cancer Syndrome. Identifiers: Orphanet 140162, MedGen C0027672, MeSH D009386, MONDO:0015356.

Submission:

Ambry Genetics
Classification: Likely pathogenic for Hereditary cancer-predisposing syndrome. Last evaluated: 2023-12-12. Review status: criteria provided, single submitter. Criteria: Ambry Variant Classification Scheme 2023. Collection method: clinical testing. Allele origin: germline.
Comment: The p.E501* variant (also known as c.1501G>T), located in coding exon 13 of the CHEK2 gene, results from a G to T substitution at nucleotide position 1501. This changes the amino acid from a glutamic acid to a stop codon within coding exon 13. This alteration occurs at the 3' terminus of the CHEK2 gene, is not expected to trigger nonsense-mediated mRNA decay, and only impacts the last 7.9% of the protein. However, premature stop codons are typically deleterious in nature and a significant portion of the protein is affected (Ambry internal data). This variant is considered to be rare based on population cohorts in the Genome Aggregation Database (gnomAD). Based on the majority of available evidence to date, this variant is likely to be pathogenic.

NM_007194.4(CHEK2):c.1501G>T (p.Glu501Ter)

Gene: CHEK2 (checkpoint kinase 2; minus strand). Cytogenetic location: 22q12.1.
Variant type: single nucleotide variant.
Coding change: c.1501G>T on transcript NM_007194.4 (MANE Select); coding-DNA position 1501, G replaced by T.
Protein change: p.Glu501Ter; replaces glutamic acid 501 with a stop codon.
Molecular consequence: nonsense.
Genome position (GRCh38, 1-based): chr22:28,689,176, C>A on the plus strand (G>T on the coding strand, the complement: CHEK2 is on the minus strand). VCF-style: chr22-28689176-C-A. GRCh37 (hg19) VCF-style: chr22-29085164-C-A.
Other names: c.1630G>T, p.Glu544Ter (NM_001005735.3); c.838G>T, p.Glu280Ter (NM_001257387.3); c.1300G>T, p.Glu434Ter (NM_001349956.3); c.1414G>T, p.Glu472Ter (NM_145862.3); short protein forms E280*, E434*, E472*, E501*, E544*.
Identifiers: ClinVar variation 3226027 (VCV003226027.1), dbSNP rs17883172, ClinGen allele CA411092429.
Genomic context (GRCh38, chr22:28,689,176, plus strand): 5'-TCATCAGGAATACGAATACCTGGGCTAGAACCTGGGGTAGAGCTGTGGATTCATTTTCCT[C>A]AGACAGAAGATCTTGAAACTTTCTCTTCATGTCTTCATCCTGTGAGGGAATTAAAAACAT-3'